The following is an entry in ClinVar:

ClinVar aggregate classification (germline): Likely pathogenic (1 of 4 stars; one submission).

Conditions:
Carnitine palmitoyl transferase 1A deficiency. Also called: Carnitine palmitoyltransferase 1A deficiency; CPT I DEFICIENCY; CPT DEFICIENCY, HEPATIC, TYPE I; Carnitine palmitoyltransferase type I deficiency; CPT deficiency, hepatic, type IA. Identifiers: Orphanet 156, MedGen C1829703, MONDO:0009705, OMIM 255120.

Submission:

Labcorp Genetics (formerly Invitae), Labcorp
Classification: Likely pathogenic for Carnitine palmitoyl transferase 1A deficiency. Last evaluated: 2023-12-14. Review status: criteria provided, single submitter. Criteria: Invitae Variant Classification Sherloc (09022015). Collection method: clinical testing. Allele origin: germline.
Comment: This sequence change affects a donor splice site in intron 17 of the CPT1A gene. It is expected to disrupt RNA splicing. Variants that disrupt the donor or acceptor splice site typically lead to a loss of protein function (PMID: 16199547), and loss-of-function variants in CPT1A are known to be pathogenic (PMID: 16169268). This variant is not present in population databases (gnomAD no frequency). This variant has not been reported in the literature in individuals affected with CPT1A-related conditions. Algorithms developed to predict the effect of sequence changes on RNA splicing suggest that this variant may disrupt the consensus splice site. In summary, the currently available evidence indicates that the variant is pathogenic, but additional data are needed to prove that conclusively. Therefore, this variant has been classified as Likely Pathogenic.

Literature cited by the submitters: PubMed 16199547; PubMed 16169268.

NM_001876.4(CPT1A):c.2142+2T>C

Gene: CPT1A (carnitine palmitoyltransferase 1A; minus strand). Cytogenetic location: 11q13.3.
Variant type: single nucleotide variant.
Coding change: c.2142+2T>C on transcript NM_001876.4 (MANE Select); the canonical splice donor site of the intron after coding-DNA position 2142, T replaced by C.
Molecular consequence: splice donor variant.
Genome position (GRCh38, 1-based): chr11:68,760,223, A>G on the plus strand (T>C on the coding strand, the complement: CPT1A is on the minus strand). VCF-style: chr11-68760223-A-G. GRCh37 (hg19) VCF-style: chr11-68527691-A-G.
Other names: c.2142+2T>C (NM_001031847.3).
Identifiers: ClinVar variation 2703281 (VCV002703281.3), dbSNP rs2495505899, ClinGen allele CA381625739.
Genomic context (GRCh38, chr11:68,760,223, plus strand): 5'-CACCCCATTACCCATCCCATCACCACGCCCCACTGCGCCTCGCCCAGCCCCGCCGCACTC[A>G]CCGGTCCAAAGCCCCCTCCGCTGGACACGTACTCTGGGTTATTCTCCAAGTCAAACAGCT-3'